The following is an entry in ClinVar:

ClinVar aggregate classification (germline): Pathogenic (1 of 4 stars; one submission).

Submission:

Labcorp Genetics (formerly Invitae), Labcorp
Classification: Pathogenic. Last evaluated: 2023-07-17. Review status: criteria provided, single submitter. Criteria: Invitae Variant Classification Sherloc (09022015). Collection method: clinical testing. Allele origin: germline.
Comment: This variant is a gross deletion of the genomic region encompassing exon(s) 1 of the RP2 gene, which includes the initiator codon. This deletion extends beyond the assayed region for this gene and therefore may encompass additional genes. It is expected to result in an absent or disrupted protein product. Loss-of-function variants in RP2 are known to be pathogenic (PMID: 11992260, 20625056). For these reasons, this variant has been classified as Pathogenic. A similar copy number variant has been observed in individual(s) with retinitis pigmentosa (PMID: 12657579).

Literature cited by the submitters: PubMed 11992260; PubMed 20625056; PubMed 12657579.

NC_000023.10:g.(?_46696536)_(46696657_?)del

Gene: RP2 (RP2 activator of ARL3 GTPase; plus strand). Cytogenetic location: Xp11.23.
Variant type: Deletion.
Identifiers: ClinVar variation 2425662 (VCV002425662.3).